The following is an entry in ClinVar:

ClinVar aggregate classification (germline): Likely benign (1 of 4 stars; one submission).

Allele frequency attached by ClinVar (database versions not stated): 1000 Genomes Project 30x 0.00281; 1000 Genomes Project 0.00319; TOPMed 0.00389; gnomAD 0.00461; ESP Exome Variant Server 0.00531; ExAC 0.00552; gnomAD exomes 0.00736.

Submission:

CeGaT Center for Human Genetics Tuebingen
Classification: Likely benign. Last evaluated: 2024-12-01. Review status: criteria provided, single submitter. Criteria: CeGaT Center For Human Genetics Tuebingen Variant Classification Criteria Version 2. Collection method: clinical testing. Allele origin: germline. Affected: yes. Observed: 2 variant alleles.
Comment: PLPP2: BP4, BS2

NM_003712.4(PLPP2):c.253C>T (p.Arg85Cys)

Gene: PLPP2 (phospholipid phosphatase 2; minus strand). Cytogenetic location: 19p13.3.
Variant type: single nucleotide variant.
Coding change: c.253C>T on transcript NM_003712.4 (MANE Select); coding-DNA position 253, C replaced by T.
Protein change: p.Arg85Cys; replaces arginine 85 with cysteine.
Molecular consequence: missense variant.
Genome position (GRCh38, 1-based): chr19:287,703, G>A on the plus strand (C>T on the coding strand, the complement: PLPP2 is on the minus strand). VCF-style: chr19-287703-G-A. GRCh37 (hg19) VCF-style: chr19-287703-G-A.
Other names: c.85C>T, p.Arg29Cys (NM_177526.3); c.316C>T, p.Arg106Cys (NM_177543.3); short protein forms R106C, R29C, R85C.
Identifiers: ClinVar variation 3024971 (VCV003024971.22), dbSNP rs61745392, ClinGen allele CA9013442.